The following is an entry in ClinVar:

NM_003482.4(KMT2D):c.15407A>G (p.His5136Arg)

Gene: KMT2D (lysine methyltransferase 2D; minus strand). Cytogenetic location: 12q13.12.
Variant type: single nucleotide variant.
Coding change: c.15407A>G on transcript NM_003482.4 (MANE Select); coding-DNA position 15407, A replaced by G.
Protein change: p.His5136Arg; replaces histidine 5136 with arginine.
Molecular consequence: missense variant.
Genome position (GRCh38, 1-based): chr12:49,026,559, T>C on the plus strand (A>G on the coding strand, the complement: KMT2D is on the minus strand). VCF-style: chr12-49026559-T-C. GRCh37 (hg19) VCF-style: chr12-49420342-T-C.
Other names: short protein forms H5136R.
Identifiers: ClinVar variation 2446646 (VCV002446646.1), dbSNP rs2120360107, ClinGen allele CA384688248.

ClinVar aggregate classification (germline): Uncertain significance (1 of 4 stars; one submission).

Submission:

GeneDx
Classification: Uncertain significance. Last evaluated: 2022-09-28. Review status: criteria provided, single submitter. Criteria: GeneDx Variant Classification Process June 2021. Collection method: clinical testing. Allele origin: germline. Affected: yes.
Comment: Not observed at significant frequency in large population cohorts (gnomAD); In silico analysis supports that this missense variant has a deleterious effect on protein structure/function; Has not been previously published as pathogenic or benign to our knowledge